The following is an entry in ClinVar:

ClinVar aggregate classification (germline): Uncertain significance (1 of 4 stars; one submission).

Submission:

Labcorp Genetics (formerly Invitae), Labcorp
Classification: Uncertain significance. Last evaluated: 2024-07-01. Review status: criteria provided, single submitter. Criteria: Invitae Variant Classification Sherloc (09022015). Collection method: clinical testing. Allele origin: germline.
Comment: This variant, c.504_548del, results in the deletion of 15 amino acid(s) of the IHH protein (p.Leu169_Lys183del), but otherwise preserves the integrity of the reading frame. This variant is not present in population databases (gnomAD no frequency). This variant has not been reported in the literature in individuals affected with IHH-related conditions. ClinVar contains an entry for this variant (Variation ID: 2091896). Experimental studies and prediction algorithms are not available or were not evaluated, and the functional significance of this variant is currently unknown. In summary, the available evidence is currently insufficient to determine the role of this variant in disease. Therefore, it has been classified as a Variant of Uncertain Significance.

NM_002181.4(IHH):c.504_548del (p.Leu169_Lys183del)

Gene: IHH (Indian hedgehog signaling molecule; minus strand). Cytogenetic location: 2q35.
Variant type: Deletion.
Coding change: c.504_548del on transcript NM_002181.4 (MANE Select); coding-DNA positions 504 to 548, 45 bases deleted.
Protein change: p.Leu169_Lys183del.
Molecular consequence: inframe deletion.
Genome position (GRCh38, 1-based): chr2:219,057,462-219,057,506, 45 bases deleted. GRCh37 (hg19): chr2:219,922,184-219,922,228.
Identifiers: ClinVar variation 2091896 (VCV002091896.4), dbSNP rs2469514041, ClinGen allele CA2580065742.